The following is an entry in ClinVar:

ClinVar aggregate classification (germline): Pathogenic/Likely pathogenic. Review status: criteria provided, multiple submitters, no conflicts (2 of 4 stars). 4 submissions from 4 submitters: Pathogenic (2); Likely pathogenic (2). Last evaluated 2025-06-15.

Conditions:
Osteogenesis imperfecta with normal sclerae, dominant form (OI4). Also called: OSTEOGENESIS IMPERFECTA, TYPE IV, WITH DENTINOGENESIS IMPERFECTA; OSTEOGENESIS IMPERFECTA WITH NORMAL SCLERAE; Osteogenesis imperfecta type 4; Osteogenesis Imperfecta Type IV; Common Variable Osteogenesis Imperfecta with Normal Sclerae. Identifiers: Orphanet 216820, Orphanet 666, MedGen C0268363, MONDO:0008148, OMIM 166220.
Ehlers-Danlos syndrome, arthrochalasia type. Also called: ARTHROCHALASIS MULTIPLEX CONGENITA; EDS VII, MUTANT PROCOLLAGEN TYPE; EDS VIIA; Ehlers-Danlos syndrome, arthrochalasia type, 1; Ehlers-Danlos syndrome, arthrochalasis type. Identifiers: Orphanet 1899, Orphanet 99875, Orphanet 99876, MedGen C4551623, MONDO:0007525, OMIM 130060.
Osteogenesis imperfecta type I (OI1). Also called: Lobstein's Disease; Lobstein disease; OI, TYPE I; OSTEOGENESIS IMPERFECTA TARDA; OSTEOGENESIS IMPERFECTA WITH BLUE SCLERAE; Osteogenesis imperfecta type 1. Identifiers: Orphanet 216796, Orphanet 666, MedGen C0023931, MONDO:0008146, OMIM 166200. Disease mechanism: loss of function.
Postmenopausal osteoporosis. Also called: BONE MINERAL DENSITY QUANTITATIVE TRAIT LOCUS; OSTEOPOROSIS, INVOLUTIONAL. Identifiers: MedGen C0029458, MONDO:0008159.
Infantile cortical hyperostosis. Also called: Hyperostosis, Cortical, Congenital; Caffey Disease; P1PK BLOOD GROUP SYSTEM, P(2) PHENOTYPE. Identifiers: Orphanet 1310, MedGen C0020497, MONDO:0007244, OMIM 114000.
Osteogenesis imperfecta, perinatal lethal (OI2). Also called: OSTEOGENESIS IMPERFECTA, TYPE II; OI, TYPE II; OSTEOGENESIS IMPERFECTA CONGENITA; VROLIK TYPE OF OSTEOGENESIS IMPERFECTA; Osteogenesis imperfecta type 2; Osteogenesis imperfecta, dominant perinatal lethal. Identifiers: Orphanet 216804, MedGen C0268358, MONDO:0008147, OMIM 166210.
Osteogenesis imperfecta type III (OI3). Also called: Osteogenesis imperfecta type 3; OI type 3; Osteogenesis imperfecta, progressively deforming with normal sclerae; OI type III; Progressively Deforming Osteogenesis Imperfecta. Identifiers: Orphanet 216812, Orphanet 666, MedGen C0268362, MONDO:0009804, OMIM 259420.

Submissions (4):

Dasa
Classification: Likely pathogenic. Last evaluated: 2025-06-15. Review status: criteria provided, single submitter. Criteria: DASA Assertion Criteria. Collection method: clinical testing. Allele origin: germline.
Comment: NM_000088.4(COL1A1):c.985G>C (p.Gly329Arg) is a missense variant that results in the substitution of glycine with arginine. The affected residue or protein region has prior evidence supporting clinical relevance. This variant has been reported in individuals with related phenotype. Functional evidence supports a deleterious effect on the gene or gene product. Multiple computational predictions support a deleterious effect on the gene or gene product. The variant is present at low frequency in population datasets. Based on the available data, this variant is classified as likely pathogenic.

Athena Diagnostics
Classification: Pathogenic. Last evaluated: 2018-11-09. Review status: criteria provided, single submitter. Criteria: Athena Diagnostics Criteria. Collection method: clinical testing. Allele origin: germline.
Comment: The variant disrupts a glycine residue in the canonical Gly-X-Y repeats of the triple helix domain, which are required for stability and structure of this protein. Therefore it is expected to severely affect the function of the protein. Found in at least one symptomatic patient, and not found in general population data.

Fulgent Genetics
Classification: Likely pathogenic for Infantile cortical hyperostosis; Ehlers-Danlos syndrome, arthrochalasia type; Osteogenesis imperfecta type I; Osteogenesis imperfecta, perinatal lethal; Osteogenesis imperfecta with normal sclerae, dominant form; Osteoporosis; Osteogenesis imperfecta type III. Last evaluated: 2018-10-31. Review status: criteria provided, single submitter. Criteria: ACMG Guidelines, 2015. Collection method: clinical testing. Allele origin: unknown.

GeneDx
Classification: Pathogenic. Last evaluated: 2017-07-20. Review status: criteria provided, single submitter. Criteria: GeneDx Variant Classification (06012015). Collection method: clinical testing. Allele origin: germline. Affected: yes.
Comment: The G329R variant in the COL1A1 gene has not been reported previously as a pathogenic variant nor as a benign variant, to our knowledge. G329R occurs in the triple helical domain and replaces the Glycine in the canonical Gly-X-Y repeat. Variants in these Glycines result in poor winding of the collagen triple helix and a less functional protein. The G329R variant is not observed in large population cohorts (Lek et al., 2016; 1000 Genomes Consortium et al., 2015; Exome Variant Server). The G329R variant is a non-conservative amino acid substitution, which is likely to impact secondary protein structure as these residues differ in polarity, charge, size and/or other properties. This substitution occurs at a position that is conserved across species, and in silico analysis predicts this variant is probably damaging to the protein structure/function. Missense variants in nearby Glycine residues (G326D, G332R, G332A) have been reported in the Human Gene Mutation Database in association with osteogenesis imperfecta (Stenson et al., 2014), supporting the functional importance of this region of the protein. Therefore, we interpret G329R as a pathogenic variant.

NM_000088.4(COL1A1):c.985G>C (p.Gly329Arg)

Gene: COL1A1 (collagen type I alpha 1 chain; minus strand). Cytogenetic location: 17q21.33.
Variant type: single nucleotide variant.
Coding change: c.985G>C on transcript NM_000088.4 (MANE Select); coding-DNA position 985, G replaced by C.
Protein change: p.Gly329Arg; replaces glycine 329 with arginine.
Molecular consequence: missense variant.
Genome position (GRCh38, 1-based): chr17:50,196,172, C>G on the plus strand (G>C on the coding strand, the complement: COL1A1 is on the minus strand). VCF-style: chr17-50196172-C-G. GRCh37 (hg19) VCF-style: chr17-48273533-C-G.
Other names: short protein forms G329R.
Identifiers: ClinVar variation 450546 (VCV000450546.5), dbSNP rs1555574303, ClinGen allele CA400221312.
Genomic context (GRCh38, chr17:50,196,172, plus strand): 5'-CCCTCCCCACTCCCAGGCCCTGAGGCCTACAGGCCACACTCACAGGGGGCCCGGCAGCAC[C>G]AGTAGCACCATCATTTCCACGAGCACCCTGCAGGAGAGAGGGGAAGCCCCGTTAAGTCCA-3'
Protein context (NP_000079.2, residues 319-339): AGARGNDGAT[Gly329Arg]AAGPPGPTGP